The following is an entry in ClinVar:

NM_001303256.3(MORC2):c.3008C>T (p.Ala1003Val)

Gene: MORC2 (MORC family CW-type zinc finger 2; minus strand). Cytogenetic location: 22q12.2.
Variant type: single nucleotide variant.
Coding change: c.3008C>T on transcript NM_001303256.3 (MANE Select); coding-DNA position 3008, C replaced by T.
Protein change: p.Ala1003Val; replaces alanine 1003 with valine.
Molecular consequence: missense variant.
Genome position (GRCh38, 1-based): chr22:30,928,041, G>A on the plus strand (C>T on the coding strand, the complement: MORC2 is on the minus strand). VCF-style: chr22-30928041-G-A. GRCh37 (hg19) VCF-style: chr22-31324028-G-A.
Other names: c.3008C>T, p.Ala1003Val (NM_001303257.2); c.2822C>T, p.Ala941Val (NM_014941.3); c.3008C>T (NM_001303256.2); short protein forms A941V, A1003V.
Identifiers: ClinVar variation 2856706 (VCV002856706.4), dbSNP rs752921354, ClinGen allele CA10186497.

ClinVar aggregate classification (germline): Uncertain significance. Review status: criteria provided, multiple submitters, no conflicts (2 of 4 stars). 2 submissions from 2 submitters: Uncertain significance (2). Last evaluated 2025-10-24.

Conditions:
Charcot-Marie-Tooth disease axonal type 2Z. Also called: CHARCOT-MARIE-TOOTH DISEASE, AXONAL, AUTOSOMAL DOMINANT, TYPE 2Z; CHARCOT-MARIE-TOOTH NEUROPATHY, TYPE 2Z. Identifiers: Orphanet 466768, MedGen C5569025, MONDO:0014736, OMIM 616688.

Allele frequency attached by ClinVar (database versions not stated): ExAC 0.00002; gnomAD exomes 0.00001; gnomAD 0.00001; TOPMed 0.00001.
gnomAD v4.1: 7 of 1,613,534 alleles (0.00043%); highest among the groups gnomAD compares: African/African-American, 0.0013%; no homozygotes.

Submissions (2):

Labcorp Genetics (formerly Invitae), Labcorp
Classification: Uncertain significance for Charcot-Marie-Tooth disease axonal type 2Z. Last evaluated: 2025-10-24. Review status: criteria provided, single submitter. Criteria: Invitae Variant Classification Sherloc (09022015). Collection method: clinical testing. Allele origin: germline.
Comment: This sequence change replaces alanine, which is neutral and non-polar, with valine, which is neutral and non-polar, at codon 1003 of the MORC2 protein (p.Ala1003Val). This variant is present in population databases (rs752921354, gnomAD 0.03%). This variant has not been reported in the literature in individuals affected with MORC2-related conditions. ClinVar contains an entry for this variant (Variation ID: 2856706). Invitae Evidence Modeling of protein sequence and biophysical properties (such as structural, functional, and spatial information, amino acid conservation, physicochemical variation, residue mobility, and thermodynamic stability) has been performed for this missense variant. However, the output from this modeling did not meet the statistical confidence thresholds required to predict the impact of this variant on MORC2 protein function. In summary, the available evidence is currently insufficient to determine the role of this variant in disease. Therefore, it has been classified as a Variant of Uncertain Significance.

GeneDx
Classification: Uncertain significance. Last evaluated: 2025-03-24. Review status: criteria provided, single submitter. Criteria: GeneDx Variant Classification Process June 2021. Collection method: clinical testing. Allele origin: germline. Affected: yes.
Comment: In silico analysis supports that this missense variant has a deleterious effect on protein structure/function; Has not been previously published as pathogenic or benign to our knowledge